The following is an entry in ClinVar:

NM_000038.6(APC):c.901C>T (p.Pro301Ser)

Gene: APC (APC regulator of Wnt signaling pathway; plus strand). Cytogenetic location: 5q22.2.
Variant type: single nucleotide variant.
Coding change: c.901C>T on transcript NM_000038.6 (MANE Select); coding-DNA position 901, C replaced by T.
Protein change: p.Pro301Ser; replaces proline 301 with serine.
Molecular consequence: missense variant.
Genome position (GRCh38, 1-based): chr5:112,815,561, C>T. VCF-style: chr5-112815561-C-T. GRCh37 (hg19) VCF-style: chr5-112151258-C-T.
Other names: c.901C>T, p.Pro301Ser (NM_001127510.3, NM_001354895.2, NM_001354896.2 and 1 more transcripts); c.847C>T, p.Pro283Ser (NM_001127511.3); c.931C>T, p.Pro311Ser (NM_001354897.2, NM_001354902.2); c.826C>T, p.Pro276Ser (NM_001354898.2, NM_001354904.2); c.817C>T, p.Pro273Ser (NM_001354899.2); c.724C>T, p.Pro242Ser (NM_001354900.2, NM_001354901.2, NM_001354905.2); c.52C>T, p.Pro18Ser (NM_001354906.2); short protein forms P283S, P301S, P311S, P18S, P276S, P242S, P273S.
Identifiers: ClinVar variation 571232 (VCV000571232.20), dbSNP rs1561535604, ClinGen allele CA16023288.
Genomic context (GRCh38, chr5:112,815,561, plus strand): 5'-ACTACACGAATGGACCATGAAACAGCCAGTGTTTTGAGTTCTAGTAGCACACACTCTGCA[C>T]CTCGAAGGCTGACAAGTCATCTGGGAACCAAGGTAACAGAAGATTACAAACCCTGGTCAC-3'
Protein context (NP_000029.2, residues 291-311): VLSSSSTHSA[Pro301Ser]RRLTSHLGTK

ClinVar aggregate classification (germline): Uncertain significance. Review status: criteria provided, multiple submitters, no conflicts (2 of 4 stars). 4 submissions from 4 submitters: Uncertain significance (4). Last evaluated 2025-11-30.

Conditions:
Hereditary cancer-predisposing syndrome. Also called: Hereditary neoplastic syndrome; Tumor predisposition; Neoplastic Syndromes, Hereditary; Hereditary Cancer Syndrome. Identifiers: Orphanet 140162, MedGen C0027672, MeSH D009386, MONDO:0015356.
Familial adenomatous polyposis 1 (FAP1). Also called: POLYPOSIS, ADENOMATOUS INTESTINAL; FAMILIAL ADENOMATOUS POLYPOSIS 1, ATTENUATED. Identifiers: MedGen C2713442, MONDO:0021056, OMIM 175100. Disease mechanism: loss of function.
Classic or attenuated familial adenomatous polyposis. Identifiers: MedGen CN372698, MONDO:0021057.

Submissions (4):

Ambry Genetics
Classification: Uncertain significance for Hereditary cancer-predisposing syndrome. Last evaluated: 2025-11-30. Review status: criteria provided, single submitter. Criteria: Ambry Variant Classification Scheme 2023. Collection method: clinical testing. Allele origin: germline.
Comment: The p.P301S variant (also known as c.901C>T), located in coding exon 8 of the APC gene, results from a C to T substitution at nucleotide position 901. The proline at codon 301 is replaced by serine, an amino acid with similar properties. This amino acid position is highly conserved in available vertebrate species. In addition, in silico predictors for this gene do not accurately predict pathogenicity. Since supporting evidence is limited at this time, the clinical significance of this alteration remains unclear.

Labcorp Genetics (formerly Invitae), Labcorp
Classification: Uncertain significance for Familial adenomatous polyposis 1. Last evaluated: 2025-04-08. Review status: criteria provided, single submitter. Criteria: Invitae Variant Classification Sherloc (09022015). Collection method: clinical testing. Allele origin: germline.
Comment: This sequence change replaces proline, which is neutral and non-polar, with serine, which is neutral and polar, at codon 301 of the APC protein (p.Pro301Ser). This variant is not present in population databases (gnomAD no frequency). This variant has not been reported in the literature in individuals affected with APC-related conditions. ClinVar contains an entry for this variant (Variation ID: 571232). Invitae Evidence Modeling of protein sequence and biophysical properties (such as structural, functional, and spatial information, amino acid conservation, physicochemical variation, residue mobility, and thermodynamic stability) indicates that this missense variant is not expected to disrupt APC protein function with a negative predictive value of 95%. In summary, the available evidence is currently insufficient to determine the role of this variant in disease. Therefore, it has been classified as a Variant of Uncertain Significance.

All of Us Research Program, National Institutes of Health
Classification: Uncertain significance for Classic or attenuated familial adenomatous polyposis. Last evaluated: 2024-03-05. Review status: criteria provided, single submitter. Criteria: ACMG Guidelines, 2015. Collection method: clinical testing. Allele origin: germline. Inheritance: Autosomal dominant inheritance. Observed: 1 variant allele, 1 heterozygote.
Comment: This study involves interpretation of variants in research participants for the purpose of population health screening. Participant phenotype was not available at the time of variant classification. Additional details can be found in publication PMID: 35346344, PMCID: PMC8962531

Color Diagnostics, LLC DBA Color Health
Classification: Uncertain significance for Hereditary cancer-predisposing syndrome. Last evaluated: 2019-05-29. Review status: criteria provided, single submitter. Criteria: ACMG Guidelines, 2015. Collection method: clinical testing. Allele origin: germline.